The following is an entry in ClinVar:

NM_017617.5(NOTCH1):c.5243T>C (p.Phe1748Ser)

Gene: NOTCH1 (notch receptor 1; minus strand). Cytogenetic location: 9q34.3.
Variant type: single nucleotide variant.
Coding change: c.5243T>C on transcript NM_017617.5 (MANE Select); coding-DNA position 5243, T replaced by C.
Protein change: p.Phe1748Ser; replaces phenylalanine 1748 with serine.
Molecular consequence: missense variant.
Genome position (GRCh38, 1-based): chr9:136,502,413, A>G on the plus strand (T>C on the coding strand, the complement: NOTCH1 is on the minus strand). VCF-style: chr9-136502413-A-G. GRCh37 (hg19) VCF-style: chr9-139396865-A-G.
Other names: short protein forms F1748S.
Identifiers: ClinVar variation 5007419 (VCV005007419.2).

ClinVar aggregate classification (germline): Uncertain significance (1 of 4 stars; one submission).

Conditions:
Aortic valve disease 1 (AOVD1). Identifiers: MedGen C3887892, MONDO:0024523, OMIM 109730.
Adams-Oliver syndrome 5 (AOS5). Identifiers: Orphanet 974, MedGen C4014970, MONDO:0014459, OMIM 616028.

Submission:

Juno Genomics, Hangzhou Juno Genomics, Inc
Classification: Uncertain significance for Adams-Oliver syndrome 5; Aortic valve disease 1. Review status: criteria provided, single submitter. Criteria: ACMG Guidelines, 2015. Collection method: clinical testing. Allele origin: germline.
Comment: Absent from controls (or at extremely low frequency if recessive) in Genome Aggregation Database.;Missense variant in a gene that has a low rate of benign missense variation.